The following is an entry in ClinVar:

ClinVar aggregate classification (germline): Likely pathogenic. Review status: criteria provided, multiple submitters, no conflicts (2 of 4 stars). 2 submissions from 2 submitters: Likely pathogenic (2). Last evaluated 2026-09-01.

Conditions:
Hypophosphatasia. Also called: Phosphoethanol-aminuria. Identifiers: Orphanet 436, MedGen C0020630, MeSH D007014, MONDO:0018570.
ALPL-related disorder. Also called: ALPL-related disorders; ALPL-related condition.

Submissions (2):

Genomenon, Inc
Classification: Likely pathogenic for Hypophosphatasia. Last evaluated: 2026-09-01. Review status: criteria provided, single submitter. Criteria: Genomenon Sequence Variant Interpretation Standards - Updated. Collection method: curation. Allele origin: germline.
Comment: ALPL p.His341Leu (c.1022A>T) is a missense variant that changes the amino acid at codon 341 from Histidine to Leucine. This variant has been reported in the published literature (PMID:39983296). This variant is located in a mutational hotspot and/or important functional domain. It is absent or not present at a significant frequency in gnomAD. In silico models predict that this variant is possibly or probably damaging. In conclusion, we classify ALPL p.His341Leu (c.1022A>T) as a likely pathogenic variant.

PreventionGenetics, part of Exact Sciences
Classification: Likely pathogenic for ALPL-related condition. Last evaluated: 2023-08-10. Review status: criteria provided, single submitter. Criteria: ACMG Guidelines, 2015. Collection method: clinical testing. Allele origin: germline.
Comment: The ALPL c.1022A>T variant is predicted to result in the amino acid substitution p.His341Leu. To our knowledge, this variant has not been reported in the literature or in a large population database, indicating this variant is rare. In addition, two different variants affecting the same amino acid (p.His341Arg and p.His341Gln) were reported to be associated with hypophosphatasia and in functional studies, both p.His341Arg and p.His341Gln lead to a decrease in enzyme activity to <5% of wild-type (Jandl et al. 2021. PubMed ID: 33191482; Sperelakis-Beedham et al. 2021. PubMed ID: 33549410; Table S1, Del Angel. 2020. PubMed ID: 32160374). Many other nearby substitutions have also been reported in patients with hypophosphatasia (for example, p.Asp337Gly, p.His338Arg, p.Gly339Arg, p.His340Pro, p.Glu342Val; Human Gene Mutation Database) and many of these amino acids are located at or close to the enzyme active site (Del Angel. 2020. PubMed ID: 32160374). Taken together, this variant is interpreted as likely pathogenic.

Literature cited by the submitters: PubMed 39983296 (cited by Genomenon, Inc).

NM_000478.6(ALPL):c.1022A>T (p.His341Leu)

Gene: ALPL (alkaline phosphatase, biomineralization associated; plus strand). Cytogenetic location: 1p36.12.
Variant type: single nucleotide variant.
Coding change: c.1022A>T on transcript NM_000478.6 (MANE Select); coding-DNA position 1022, A replaced by T.
Protein change: p.His341Leu; replaces histidine 341 with leucine.
Molecular consequence: missense variant.
Genome position (GRCh38, 1-based): chr1:21,575,757, A>T. VCF-style: chr1-21575757-A-T. GRCh37 (hg19) VCF-style: chr1-21902250-A-T.
Other names: c.857A>T, p.His286Leu (NM_001127501.4); c.791A>T, p.His264Leu (NM_001177520.3); c.1022A>T, p.His341Leu (NM_001369803.2, NM_001369804.2, NM_001369805.2); short protein forms H264L, H286L, H341L.
Identifiers: ClinVar variation 2634721 (VCV002634721.2), dbSNP rs1382219911, ClinGen allele CA338881021.